The following is an entry in ClinVar:

ClinVar aggregate classification (germline): Conflicting classifications of pathogenicity. Review status: criteria provided, conflicting classifications (1 of 4 stars). 4 submissions from 4 submitters: Uncertain significance (1); Likely benign (2). 1 of the submissions does not count toward it. Last evaluated 2026-01-12.

Conditions:
Microcephaly and chorioretinopathy 2. Also called: Microcephaly and chorioretinopathy, autosomal recessive, 2. Identifiers: Orphanet 808, MedGen C4015388, MONDO:0014516, OMIM 616171.
PLK4-related disorder. Also called: PLK4-related condition.

Allele frequency attached by ClinVar (database versions not stated): gnomAD 0.00009; gnomAD exomes 0.00012 and 0.00061; TOPMed 0.00026; ExAC 0.00050.
gnomAD v4.1: 189 of 1,613,882 alleles (0.012%); highest among the groups gnomAD compares: Admixed American, 0.31%; 1 homozygote.

Submissions (4):

Labcorp Genetics (formerly Invitae), Labcorp
Classification: Likely benign. Last evaluated: 2026-01-12. Review status: criteria provided, single submitter. Criteria: Invitae Variant Classification Sherloc (09022015). Collection method: clinical testing. Allele origin: germline.

Blueprint Genetics
Classification: Likely benign. Last evaluated: 2023-06-12. Review status: criteria provided, single submitter. Criteria: ACMG Guidelines, 2015. Collection method: clinical testing. Allele origin: germline.

Baylor Genetics
Classification: Uncertain significance for Microcephaly and chorioretinopathy 2. Last evaluated: 2019-04-11. Review status: criteria provided, single submitter. Criteria: ACMG Guidelines, 2015. Collection method: clinical testing. Allele origin: unknown. Affected: yes.
Comment: This variant was determined to be of uncertain significance according to ACMG Guidelines, 2015 [PMID:25741868].

PreventionGenetics, part of Exact Sciences
Classification: Likely benign for PLK4-related condition. Last evaluated: 2022-04-21. Review status: no assertion criteria provided. Collection method: clinical testing. Allele origin: germline. Not counted in ClinVar's aggregate classification.
Comment: This variant is classified as likely benign based on ACMG/AMP sequence variant interpretation guidelines (Richards et al. 2015 PMID: 25741868, with internal and published modifications).

NM_014264.5(PLK4):c.926A>G (p.Lys309Arg)

Gene: PLK4 (polo like kinase 4; plus strand). Cytogenetic location: 4q28.1.
Variant type: single nucleotide variant.
Coding change: c.926A>G on transcript NM_014264.5 (MANE Select); coding-DNA position 926, A replaced by G.
Protein change: p.Lys309Arg; replaces lysine 309 with arginine.
Molecular consequence: missense variant.
Genome position (GRCh38, 1-based): chr4:127,886,296, A>G. VCF-style: chr4-127886296-A-G. GRCh37 (hg19) VCF-style: chr4-128807451-A-G.
Other names: c.830A>G, p.Lys277Arg (NM_001190799.2); c.803A>G, p.Lys268Arg (NM_001190801.2); short protein forms K277R, K268R, K309R.
Identifiers: ClinVar variation 739801 (VCV000739801.13), dbSNP rs543250835, ClinGen allele CA3076651.